The following is an entry in ClinVar:

NM_001199753.2(CPT1C):c.1541G>T (p.Arg514Leu)

Gene: CPT1C (carnitine palmitoyltransferase 1C; plus strand). Cytogenetic location: 19q13.33.
Variant type: single nucleotide variant.
Coding change: c.1541G>T on transcript NM_001199753.2 (MANE Select); coding-DNA position 1541, G replaced by T.
Protein change: p.Arg514Leu; replaces arginine 514 with leucine.
Molecular consequence: missense variant. On other transcripts: non-coding transcript variant (1).
Genome position (GRCh38, 1-based): chr19:49,708,814, G>T. VCF-style: chr19-49708814-G-T. GRCh37 (hg19) VCF-style: chr19-50212071-G-T.
Other names: c.1508G>T (NM_001136052.2); c.1508G>T, p.Arg503Leu (NM_001136052.3, NM_001378485.1, NM_001378487.1); c.1541G>T, p.Arg514Leu (NM_001199752.3, NM_001378483.1, NM_001378484.1 and 3 more transcripts); c.1607G>T, p.Arg536Leu (NM_001378482.1); short protein forms R503L, R514L, R536L.
Identifiers: ClinVar variation 1164294 (VCV001164294.11), dbSNP rs150853576, ClinGen allele CA9582212.
Genomic context (GRCh38, chr19:49,708,814, plus strand): 5'-GCTACTCAACAGACGGCCACTGCAAGGGGCACCCGGACCCCACACTACCCCAGCCCCAGC[G>T]GCTGCAATGGGACCTTCCAGACCAGGTGAGGCTGGGTTTCTGGGCCTCTCCTCCAAGTCC-3'
Protein context (NP_001186682.1, residues 504-524): HPDPTLPQPQ[Arg514Leu]LQWDLPDQIH

ClinVar aggregate classification (germline): Benign. Review status: criteria provided, single submitter (1 of 4 stars). 2 submissions from 2 submitters: Benign (1). 1 of the submissions does not count toward it. Last evaluated 2025-07-20.

Conditions:
CPT1C-related disorder. Also called: CPT1C-related condition.
Hereditary spastic paraplegia 73. Also called: Spastic paraplegia 73, autosomal dominant. Identifiers: Orphanet 444099, MedGen C5568981, MONDO:0014568, OMIM 616282.

Allele frequency attached by ClinVar (database versions not stated): 1000 Genomes Project 30x 0.00156.
gnomAD v4.1: 155 of 1,613,026 alleles (0.0096%); highest among the groups gnomAD compares: East Asian, 0.29%; no homozygotes.

Submissions (2):

Labcorp Genetics (formerly Invitae), Labcorp
Classification: Benign for Hereditary spastic paraplegia 73. Last evaluated: 2025-07-20. Review status: criteria provided, single submitter. Criteria: Invitae Variant Classification Sherloc (09022015). Collection method: clinical testing. Allele origin: germline.

PreventionGenetics, part of Exact Sciences
Classification: Benign for CPT1C-related condition. Last evaluated: 2020-06-29. Review status: no assertion criteria provided. Collection method: clinical testing. Allele origin: germline. Not counted in ClinVar's aggregate classification.
Comment: This variant is classified as benign based on ACMG/AMP sequence variant interpretation guidelines (Richards et al. 2015 PMID: 25741868, with internal and published modifications).